The following is an entry in ClinVar:

NM_015215.4(CAMTA1):c.513C>A (p.Asn171Lys)

Gene: CAMTA1 (calmodulin binding transcription activator 1; plus strand). Cytogenetic location: 1p36.23.
Variant type: single nucleotide variant.
Coding change: c.513C>A on transcript NM_015215.4 (MANE Select); coding-DNA position 513, C replaced by A.
Protein change: p.Asn171Lys; replaces asparagine 171 with lysine.
Molecular consequence: missense variant.
Genome position (GRCh38, 1-based): chr1:7,640,402, C>A. VCF-style: chr1-7640402-C-A. GRCh37 (hg19) VCF-style: chr1-7700462-C-A.
Other names: c.423C>A, p.Asn141Lys (NM_001349608.2, NM_001349612.2); c.513C>A, p.Asn171Lys (NM_001349609.2, NM_001349610.2, NM_001410737.1); c.441C>A, p.Asn147Lys (NM_001410738.1); short protein forms N141K, N147K, N171K.
Identifiers: ClinVar variation 3390439 (VCV003390439.1).

ClinVar aggregate classification (germline): Uncertain significance (1 of 4 stars; one submission).

gnomAD v4.1: 1 of 1,614,004 alleles (0.000062%); highest among the groups gnomAD compares: Non-Finnish European, 0.000085%; no homozygotes.

Submission:

GeneDx
Classification: Uncertain significance. Last evaluated: 2024-06-11. Review status: criteria provided, single submitter. Criteria: GeneDx Variant Classification Process June 2021. Collection method: clinical testing. Allele origin: germline. Affected: yes.
Comment: Not observed at significant frequency in large population cohorts (gnomAD); In silico analysis supports that this missense variant has a deleterious effect on protein structure/function; Has not been previously published as pathogenic or benign to our knowledge